The following is an entry in ClinVar:

NM_000038.6(APC):c.1294G>C (p.Asp432His)

Gene: APC (APC regulator of Wnt signaling pathway; plus strand). Cytogenetic location: 5q22.2.
Variant type: single nucleotide variant.
Coding change: c.1294G>C on transcript NM_000038.6 (MANE Select); coding-DNA position 1294, G replaced by C.
Protein change: p.Asp432His; replaces aspartic acid 432 with histidine.
Molecular consequence: missense variant.
Genome position (GRCh38, 1-based): chr5:112,819,326, G>C. VCF-style: chr5-112819326-G-C. GRCh37 (hg19) VCF-style: chr5-112155023-G-C.
Other names: c.1294G>C, p.Asp432His (NM_001127510.3, NM_001354895.2, NM_001354896.2 and 4 more transcripts); c.1240G>C, p.Asp414His (NM_001127511.3); c.1324G>C, p.Asp442His (NM_001354897.2, NM_001407446.1); c.1219G>C, p.Asp407His (NM_001354898.2, NM_001407451.1); c.1210G>C, p.Asp404His (NM_001354899.2, NM_001407452.1); c.1117G>C, p.Asp373His (NM_001354900.2, NM_001354901.2, NM_001407453.1); c.1021G>C, p.Asp341His (NM_001354902.2); c.991G>C, p.Asp331His (NM_001354903.2, NM_001407454.1, NM_001407455.1 and 5 more transcripts); and 5 more; short protein forms D149H, D272H, D303H, D306H, D331H, D341H, D373H, D404H.
Identifiers: ClinVar variation 1715425 (VCV001715425.6), dbSNP rs2149783916, ClinGen allele CA16024139.
Genomic context (GRCh38, chr5:112,819,326, plus strand): 5'-CAGATACGCGCTTACTGTGAAACCTGTTGGGAGTGGCAGGAAGCTCATGAACCAGGCATG[G>C]ACCAGGACAAAAATCCAAGTATGTTCTCTATAGTGTACATCGTAGTGCATGTTTCAAAGC-3'
Protein context (NP_000029.2, residues 422-442): EWQEAHEPGM[Asp432His]QDKNPMPAPV

ClinVar aggregate classification (germline): Uncertain significance (1 of 4 stars; one submission).

Conditions:
Familial adenomatous polyposis 1 (FAP1). Also called: POLYPOSIS, ADENOMATOUS INTESTINAL; FAMILIAL ADENOMATOUS POLYPOSIS 1, ATTENUATED. Identifiers: MedGen C2713442, MONDO:0021056, OMIM 175100. Disease mechanism: loss of function.

Submission:

Labcorp Genetics (formerly Invitae), Labcorp
Classification: Uncertain significance for Familial adenomatous polyposis 1. Last evaluated: 2022-08-06. Review status: criteria provided, single submitter. Criteria: Invitae Variant Classification Sherloc (09022015). Collection method: clinical testing. Allele origin: germline.
Comment: Algorithms developed to predict the effect of missense changes on protein structure and function are either unavailable or do not agree on the potential impact of this missense change (SIFT: "Deleterious"; PolyPhen-2: "Benign"; Align-GVGD: "Class C0"). In summary, the available evidence is currently insufficient to determine the role of this variant in disease. Therefore, it has been classified as a Variant of Uncertain Significance. This variant has not been reported in the literature in individuals affected with APC-related conditions. This sequence change replaces aspartic acid, which is acidic and polar, with histidine, which is basic and polar, at codon 432 of the APC protein (p.Asp432His). This variant is not present in population databases (gnomAD no frequency).